The following is an entry in ClinVar:

ClinVar aggregate classification (germline): Uncertain significance. Review status: criteria provided, multiple submitters, no conflicts (2 of 4 stars). 2 submissions from 2 submitters: Uncertain significance (2). Last evaluated 2022-08-13.

Allele frequency attached by ClinVar (database versions not stated): TOPMed below 0.00001; gnomAD 0.00001.

Submissions (2):

Labcorp Genetics (formerly Invitae), Labcorp
Classification: Uncertain significance. Last evaluated: 2022-08-13. Review status: criteria provided, single submitter. Criteria: Invitae Variant Classification Sherloc (09022015). Collection method: clinical testing. Allele origin: germline.
Comment: In summary, the available evidence is currently insufficient to determine the role of this variant in disease. Therefore, it has been classified as a Variant of Uncertain Significance. ClinVar contains an entry for this variant (Variation ID: 939168). This sequence change disrupts the translational stop signal of the ABHD12 mRNA. It is expected to extend the length of the ABHD12 protein by 121 additional amino acid residues. This variant is present in population databases (no rsID available, gnomAD 0.01%). This variant has not been reported in the literature in individuals affected with ABHD12-related conditions.

Blueprint Genetics
Classification: Uncertain significance. Last evaluated: 2021-08-24. Review status: criteria provided, single submitter. Criteria: ACMG Guidelines, 2015. Collection method: clinical testing. Allele origin: germline.

NM_001042472.3(ABHD12):c.1195_1196del (p.Ter399SerextTer?)

Gene: ABHD12 (abhydrolase domain containing 12, lysophospholipase; minus strand). Cytogenetic location: 20p11.21.
Variant type: Deletion.
Coding change: c.1195_1196del on transcript NM_001042472.3 (MANE Select); coding-DNA positions 1195 to 1196, 2 bases deleted (TG; older notation c.1195_1196delTG).
Protein change: p.Ter399SerextTer?.
Molecular consequence: frameshift variant, stop lost. On other transcripts: intron variant (1).
Genome position (GRCh38, 1-based): chr20:25,300,846-25,300,847, CA deleted on the plus strand (TG on the coding strand, the reverse complement: ABHD12 is on the minus strand). VCF-style (leftmost placement, unchanged base first): chr20-25300845-TCA-T. GRCh37 (hg19) VCF-style: chr20-25281481-TCA-T.
Other names: c.1157+1372_1157+1373del (NM_015600.5).
Identifiers: ClinVar variation 939168 (VCV000939168.10), dbSNP rs1232292735, ClinGen allele CA634947523.